The following is an entry in ClinVar:

ClinVar aggregate classification (germline): Uncertain significance. Review status: criteria provided, multiple submitters, no conflicts (2 of 4 stars). 2 submissions from 2 submitters: Uncertain significance (2). Last evaluated 2022-10-14.

Conditions:
Developmental and epileptic encephalopathy, 12 (DEE12). Identifiers: MedGen C3150988, MONDO:0013389, OMIM 613722.

Allele frequency attached by ClinVar (database versions not stated): gnomAD exomes below 0.00001; ExAC 0.00001; TOPMed 0.00002; ESP Exome Variant Server 0.00017.
gnomAD v4.1: 1 of 1,612,130 alleles (0.000062%); highest among the groups gnomAD compares: Non-Finnish European, 0.000085%; no homozygotes.

Submissions (2):

Labcorp Genetics (formerly Invitae), Labcorp
Classification: Uncertain significance for Developmental and epileptic encephalopathy, 12. Last evaluated: 2022-10-14. Review status: criteria provided, single submitter. Criteria: Invitae Variant Classification Sherloc (09022015). Collection method: clinical testing. Allele origin: germline.
Comment: This sequence change replaces leucine, which is neutral and non-polar, with phenylalanine, which is neutral and non-polar, at codon 10 of the PNKP protein (p.Leu10Phe). The frequency data for this variant in the population databases is considered unreliable, as metrics indicate poor data quality at this position in the gnomAD database. This variant has not been reported in the literature in individuals affected with PNKP-related conditions. ClinVar contains an entry for this variant (Variation ID: 206403). Algorithms developed to predict the effect of missense changes on protein structure and function (SIFT, PolyPhen-2, Align-GVGD) all suggest that this variant is likely to be tolerated. In summary, the available evidence is currently insufficient to determine the role of this variant in disease. Therefore, it has been classified as a Variant of Uncertain Significance.

GeneDx
Classification: Uncertain significance. Last evaluated: 2020-08-28. Review status: criteria provided, single submitter. Criteria: GeneDx Variant Classification Process June 2021. Collection method: clinical testing. Allele origin: germline. Affected: yes.
Comment: Not observed at a significant frequency in large population cohorts (Lek et al., 2016); In silico analysis supports that this missense variant does not alter protein structure/function; Has not been previously published as pathogenic or benign to our knowledge

NM_007254.4(PNKP):c.30G>T (p.Leu10Phe)

Gene: PNKP (polynucleotide kinase 3'-phosphatase; minus strand). Cytogenetic location: 19q13.33.
Variant type: single nucleotide variant.
Coding change: c.30G>T on transcript NM_007254.4 (MANE Select); coding-DNA position 30, G replaced by T.
Protein change: p.Leu10Phe; replaces leucine 10 with phenylalanine.
Molecular consequence: missense variant.
Genome position (GRCh38, 1-based): chr19:49,867,175, C>A on the plus strand (G>T on the coding strand, the complement: PNKP is on the minus strand). VCF-style: chr19-49867175-C-A. GRCh37 (hg19) VCF-style: chr19-50370432-C-A.
Other names: p.L10F:TTG>TTT; short protein forms L10F.
Identifiers: ClinVar variation 206403 (VCV000206403.9), dbSNP rs376146751, ClinGen allele CA316484.